The following is an entry in ClinVar:

NM_000341.4(SLC3A1):c.1259C>G (p.Ser420Cys)

Gene: SLC3A1 (solute carrier family 3 member 1; plus strand). Cytogenetic location: 2p21.
Variant type: single nucleotide variant.
Coding change: c.1259C>G on transcript NM_000341.4 (MANE Select); coding-DNA position 1259, C replaced by G.
Protein change: p.Ser420Cys; replaces serine 420 with cysteine.
Molecular consequence: missense variant.
Genome position (GRCh38, 1-based): chr2:44,304,265, C>G. VCF-style: chr2-44304265-C-G. GRCh37 (hg19) VCF-style: chr2-44531404-C-G.
Other names: short protein forms S420C.
Identifiers: ClinVar variation 895722 (VCV000895722.6), dbSNP rs1031709288, ClinGen allele CA46500602.

ClinVar aggregate classification (germline): Uncertain significance. Review status: criteria provided, multiple submitters, no conflicts (2 of 4 stars). 2 submissions from 2 submitters: Uncertain significance (2). Last evaluated 2022-05-29.

Conditions:
Cystinuria (CSNU). Also called: Cystinuria, non-type I; CYSTINURIA, TYPE I; CYSTINURIA, TYPE II; CYSTINURIA, TYPE III. Identifiers: Orphanet 214, MedGen C0010691, MONDO:0009067, OMIM 220100, HP:0003131.

Allele frequency attached by ClinVar (database versions not stated): gnomAD 0.00001; TOPMed 0.00001; gnomAD exomes below 0.00001.
gnomAD v4.1: 54 of 1,614,032 alleles (0.0033%); highest among the groups gnomAD compares: Non-Finnish European, 0.0042%; no homozygotes.

Submissions (2):

Labcorp Genetics (formerly Invitae), Labcorp
Classification: Uncertain significance for Cystinuria. Last evaluated: 2022-05-29. Review status: criteria provided, single submitter. Criteria: Invitae Variant Classification Sherloc (09022015). Collection method: clinical testing. Allele origin: germline.
Comment: This sequence change replaces serine, which is neutral and polar, with cysteine, which is neutral and slightly polar, at codon 420 of the SLC3A1 protein (p.Ser420Cys). This variant is present in population databases (no rsID available, gnomAD 0.0009%). This missense change has been observed in individual(s) with cystinuria (PMID: 9768685). ClinVar contains an entry for this variant (Variation ID: 895722). Algorithms developed to predict the effect of missense changes on protein structure and function are either unavailable or do not agree on the potential impact of this missense change (SIFT: "Deleterious"; PolyPhen-2: "Probably Damaging"; Align-GVGD: "Class C0"). In summary, the available evidence is currently insufficient to determine the role of this variant in disease. Therefore, it has been classified as a Variant of Uncertain Significance.

Illumina Laboratory Services, Illumina
Classification: Uncertain significance for Cystinuria. Last evaluated: 2017-04-27. Review status: criteria provided, single submitter. Criteria: ICSL Variant Classification Criteria 13 December 2019. Collection method: clinical testing. Allele origin: germline.
Comment: This variant was observed as part of a predisposition screen in an ostensibly healthy population. A literature search was performed for the gene, cDNA change, and amino acid change (where applicable). Publications were found based on this search. However, the evidence from the literature, in combination with allele frequency data from public databases where available, was not sufficient to rule this variant in or out of causing disease. Therefore, this variant is classified as a variant of unknown significance.

Literature cited by the submitters: PubMed 9768685 (cited by Labcorp Genetics (formerly Invitae), Labcorp and Illumina Laboratory Services, Illumina).